The following is an entry in ClinVar:

NM_020340.5(ARFGEF3):c.4652-5C>T

Gene: ARFGEF3 (ARFGEF family member 3; plus strand). Cytogenetic location: 6q24.1.
Variant type: single nucleotide variant.
Coding change: c.4652-5C>T on transcript NM_020340.5 (MANE Select); 5 bases into the intron before coding-DNA position 4652, C replaced by T.
Molecular consequence: intron variant.
Genome position (GRCh38, 1-based): chr6:138,321,106, C>T. VCF-style: chr6-138321106-C-T. GRCh37 (hg19) VCF-style: chr6-138642243-C-T.
Identifiers: ClinVar variation 3056392 (VCV003056392.2), dbSNP rs61748668, ClinGen allele CA4021423.

ClinVar aggregate classification (germline): Benign (0 of 4 stars; one submission).

Conditions:
ARFGEF3-related disorder. Also called: ARFGEF3-related condition.

Allele frequency attached by ClinVar (database versions not stated): 1000 Genomes Project 0.03774; 1000 Genomes Project 30x 0.04107; gnomAD exomes 0.04512; ESP Exome Variant Server 0.04822; TOPMed 0.04932; gnomAD 0.05014; ExAC 0.05201.
gnomAD v4.1: 69,906 of 1,531,530 alleles (4.6%); highest among the groups gnomAD compares: African/African-American, 7%; 1,824 homozygotes.

Submission:

PreventionGenetics, part of Exact Sciences
Classification: Benign for ARFGEF3-related condition. Last evaluated: 2019-03-22. Review status: no assertion criteria provided. Collection method: clinical testing. Allele origin: germline.
Comment: This variant is classified as benign based on ACMG/AMP sequence variant interpretation guidelines (Richards et al. 2015 PMID: 25741868, with internal and published modifications).